The following is an entry in ClinVar:

NM_001267550.2(TTN):c.64683C>G (p.Gly21561=)

Genes: TTN (titin; minus strand), TTN-AS1 (TTN antisense RNA 1; plus strand). Cytogenetic location: 2q31.2.
Variant type: single nucleotide variant.
Coding change: c.64683C>G on transcript NM_001267550.2 (MANE Select); coding-DNA position 64683, C replaced by G.
Protein change: p.Gly21561=; no amino-acid change (glycine 21561 retained).
Molecular consequence: synonymous variant. On other transcripts: non-coding transcript variant (1).
Genome position (GRCh38, 1-based): chr2:178,584,958, G>C on the plus strand (C>G on the coding strand, the complement: TTN is on the minus strand). VCF-style: chr2-178584958-G-C. GRCh37 (hg19) VCF-style: chr2-179449685-G-C.
Other names: c.59760C>G, p.Gly19920= (NM_001256850.1); c.37488C>G, p.Gly12496= (NM_003319.4); c.56979C>G, p.Gly18993= (NM_133378.4); c.37863C>G, p.Gly12621= (NM_133432.3); c.38064C>G, p.Gly12688= (NM_133437.4).
Identifiers: ClinVar variation 498192 (VCV000498192.15), dbSNP rs542156552, ClinGen allele CA1991858.

ClinVar aggregate classification (germline): Conflicting classifications of pathogenicity. Review status: criteria provided, conflicting classifications (1 of 4 stars). 4 submissions from 4 submitters: Uncertain significance (1); Likely benign (3). Last evaluated 2026-01-14.

Conditions:
Dilated cardiomyopathy 1G (CMD1G). Identifiers: Orphanet 154, MedGen C1858763, MONDO:0011400, OMIM 604145.
Autosomal recessive limb-girdle muscular dystrophy type 2J (LGMDR10). Also called: MUSCULAR DYSTROPHY, LIMB-GIRDLE, AUTOSOMAL RECESSIVE 10; Limb-girdle muscular dystrophy, type 2J. Identifiers: Orphanet 140922, MedGen C1837342, MONDO:0012127, OMIM 608807.
Cardiovascular phenotype. Identifiers: MedGen CN230736.

Allele frequency attached by ClinVar (database versions not stated): TOPMed 0.00001; ExAC 0.00003; 1000 Genomes Project 30x 0.00062; 1000 Genomes Project 0.00080.
gnomAD v4.1: 53 of 1,613,056 alleles (0.0033%); highest among the groups gnomAD compares: South Asian, 0.0099%; no homozygotes.

Submissions (4):

Labcorp Genetics (formerly Invitae), Labcorp
Classification: Likely benign for Dilated cardiomyopathy 1G; Autosomal recessive limb-girdle muscular dystrophy type 2J. Last evaluated: 2026-01-14. Review status: criteria provided, single submitter. Criteria: Invitae Variant Classification Sherloc (09022015). Collection method: clinical testing. Allele origin: germline.

Ambry Genetics
Classification: Likely benign for Cardiovascular phenotype. Last evaluated: 2023-12-29. Review status: criteria provided, single submitter. Criteria: Ambry Variant Classification Scheme 2023. Collection method: clinical testing. Allele origin: germline.

GeneDx
Classification: Likely benign. Last evaluated: 2017-04-18. Review status: criteria provided, single submitter. Criteria: GeneDx Variant Classification (06012015). Collection method: clinical testing. Allele origin: germline. Affected: yes.
Comment: This variant is considered likely benign or benign based on one or more of the following criteria: it is a conservative change, it occurs at a poorly conserved position in the protein, it is predicted to be benign by multiple in silico algorithms, and/or has population frequency not consistent with disease.

Eurofins Ntd Llc (ga)
Classification: Uncertain significance. Last evaluated: 2016-11-06. Review status: criteria provided, single submitter. Criteria: EGL Classification Definitions 2015. Collection method: clinical testing. Allele origin: germline. Observed: 1 variant allele, 1 heterozygote.